The following is an entry in ClinVar:

NM_000498.3(CYP11B2):c.59G>A (p.Arg20Lys)

Genes: CYP11B2 (cytochrome P450 family 11 subfamily B member 2; minus strand), LOC106799834 (CYP11B2 recombination region; plus strand). Cytogenetic location: 8q24.3.
Variant type: single nucleotide variant.
Coding change: c.59G>A on transcript NM_000498.3 (MANE Select); coding-DNA position 59, G replaced by A.
Protein change: p.Arg20Lys; replaces arginine 20 with lysine.
Molecular consequence: missense variant.
Genome position (GRCh38, 1-based): chr8:142,917,782, C>T on the plus strand (G>A on the coding strand, the complement: CYP11B2 is on the minus strand). VCF-style: chr8-142917782-C-T. GRCh37 (hg19) VCF-style: chr8-143999198-C-T.
Other names: short protein forms R20K.
Identifiers: ClinVar variation 990595 (VCV000990595.4), dbSNP rs1463986346, ClinGen allele CA372394169.

ClinVar aggregate classification (germline): Uncertain significance. Review status: criteria provided, multiple submitters, no conflicts (2 of 4 stars). 4 submissions from 4 submitters: Uncertain significance (3). 1 of the submissions does not count toward it. Last evaluated 2025-10-14.

Conditions:
Corticosterone methyl oxidase type II deficiency.
Inborn genetic diseases. Identifiers: MedGen C0950123, MeSH D030342.
Corticosterone 18-monooxygenase deficiency. Also called: ALDOSTERONE DEFICIENCY DUE TO DEFECT IN STEROID 18-HYDROXYLASE; ALDOSTERONE DEFICIENCY I; CMO I DEFICIENCY; STEROID 18-HYDROXYLASE DEFICIENCY; 18 Hydroxylase deficiency; Aldosterone deficiency due to defect in 18 hydroxylase. Identifiers: Orphanet 427, MedGen C0268293, MONDO:0008751, OMIM 203400. Disease mechanism: loss of function.
Corticosterone methyloxidase type 2 deficiency. Also called: 18-OXIDASE DEFICIENCY; ALDOSTERONE DEFICIENCY DUE TO DEFICIENCY OF STEROID 18-OXIDASE; ALDOSTERONE DEFICIENCY II; CMO II DEFICIENCY; STEROID 18-OXIDASE DEFICIENCY. Identifiers: Orphanet 427, MedGen C3463917, MONDO:0012524, OMIM 610600. Disease mechanism: loss of function.

Allele frequency attached by ClinVar (database versions not stated): gnomAD exomes 0.00002; gnomAD 0.00003 and 0.00004; TOPMed 0.00004.
gnomAD v4.1: 23 of 1,614,106 alleles (0.0014%); highest among the groups gnomAD compares: Admixed American, 0.018%; no homozygotes.

Submissions (4):

Ambry Genetics
Classification: Uncertain significance for Inborn genetic diseases. Last evaluated: 2025-10-14. Review status: criteria provided, single submitter. Criteria: Ambry Variant Classification Scheme 2023. Collection method: clinical testing. Allele origin: germline.

Women's Health and Genetics/Laboratory Corporation of America, LabCorp
Classification: Uncertain significance. Last evaluated: 2024-01-12. Review status: criteria provided, single submitter. Criteria: LabCorp Variant Classification Summary - May 2015. Collection method: clinical testing. Allele origin: germline.
Comment: Variant summary: CYP11B2 c.59G>A (p.Arg20Lys) results in a conservative amino acid change in the encoded protein sequence. Five of five in-silico tools predict a benign effect of the variant on protein function. The variant allele was found at a frequency of 2e-05 in 251204 control chromosomes (gnomAD). The available data on variant occurrences in the general population are insufficient to allow any conclusion about variant significance. To our knowledge, no occurrence of c.59G>A in individuals affected with Familial Hypoaldosteronism and no experimental evidence demonstrating its impact on protein function have been reported. ClinVar contains an entry for this variant (Variation ID: 990595). Based on the evidence outlined above, the variant was classified as uncertain significance.

Fulgent Genetics
Classification: Uncertain significance for Corticosterone 18-monooxygenase deficiency; Corticosterone methyloxidase type 2 deficiency. Last evaluated: 2021-07-29. Review status: criteria provided, single submitter. Criteria: ACMG Guidelines, 2015. Collection method: clinical testing. Allele origin: unknown.

Natera, Inc.
Classification: Uncertain significance for Corticosterone methyl oxidase type II deficiency. Last evaluated: 2020-11-05. Review status: no assertion criteria provided. Collection method: clinical testing. Allele origin: germline. Not counted in ClinVar's aggregate classification.